The following is an entry in ClinVar:

NM_000059.4(BRCA2):c.8633-1327T>A

Gene: BRCA2 (BRCA2 DNA repair associated; plus strand). Cytogenetic location: 13q13.1.
Variant type: single nucleotide variant.
Coding change: c.8633-1327T>A on transcript NM_000059.4 (MANE Select); 1327 bases into the intron before coding-DNA position 8633, T replaced by A.
Molecular consequence: intron variant. On other transcripts: non-coding transcript variant (1).
Genome position (GRCh38, 1-based): chr13:32,375,343, T>A. VCF-style: chr13-32375343-T-A. GRCh37 (hg19) VCF-style: chr13-32949480-T-A.
Other names: c.8633-1327T>A (NM_001432077.1, NM_001406720.1); c.8537-1327T>A (NM_001406719.1); c.3701-1327T>A (NM_001406721.1); c.2216-1327T>A (NM_001406722.1).
Identifiers: ClinVar variation 4215266 (VCV004215266.1).

ClinVar aggregate classification (germline): Uncertain significance (1 of 4 stars; one submission).

Conditions:
Hereditary cancer-predisposing syndrome. Also called: Neoplastic Syndromes, Hereditary; Tumor predisposition; Hereditary Cancer Syndrome; Hereditary neoplastic syndrome. Identifiers: Orphanet 140162, MedGen C0027672, MeSH D009386, MONDO:0015356.

Submission:

Ambry Genetics
Classification: Uncertain significance for Hereditary cancer-predisposing syndrome. Last evaluated: 2025-07-24. Review status: criteria provided, single submitter. Criteria: Ambry Variant Classification Scheme 2023. Collection method: clinical testing. Allele origin: germline.
Comment: The c.8633-1327T>A intronic variant results from a T to A substitution 1327 nucleotides upstream from coding exon 20 in the BRCA2 gene. This nucleotide position is conserved on limited sequence alignment. In silico splice site analysis predicts that this alteration may result in the creation or strengthening of a novel splice acceptor site. RNA studies have demonstrated that this alteration results in a splice defect; the clinical impact of this abnormal splicing is unknown at this time (Ambry internal data). Based on the available evidence, the clinical significance of this variant remains unclear.